The following is an entry in ClinVar:

ClinVar aggregate classification (germline): Uncertain significance (1 of 4 stars; one submission).

Conditions:
Hereditary breast ovarian cancer syndrome. Also called: Hereditary breast and ovarian cancer; Hereditary breast and ovarian cancer syndrome (HBOC); BRCA1- and BRCA2-Associated Hereditary Breast and Ovarian Cancer; Breast and ovarian cancer; Hereditary breast and/or ovarian cancer syndrome; Hereditary breast and ovarian cancer syndrome. Identifiers: Orphanet 145, MedGen C0677776, MeSH D061325, MONDO:0003582. Disease mechanism: loss of function.

Submission:

Labcorp Genetics (formerly Invitae), Labcorp
Classification: Uncertain significance for Hereditary breast ovarian cancer syndrome. Last evaluated: 2025-12-28. Review status: criteria provided, single submitter. Criteria: Invitae Variant Classification Sherloc (09022015). Collection method: clinical testing. Allele origin: germline.
Comment: This variant occurs in a non-coding region of the BRCA1 gene. It does not change the encoded amino acid sequence of the BRCA1 protein. It affects a nucleotide within the consensus splice site. This variant is not present in population databases (gnomAD no frequency). This variant has not been reported in the literature in individuals affected with BRCA1-related conditions. Variants that disrupt the consensus splice site are a relatively common cause of aberrant splicing (PMID: 17576681, 9536098). RNA analysis provides insufficient evidence to determine the effect of the variant on BRCA1 splicing (Invitiae). In summary, the available evidence is currently insufficient to determine the role of this variant in disease. Therefore, it has been classified as a Variant of Uncertain Significance.

Literature cited by the submitters: PubMed 17576681; PubMed 9536098.

NM_007294.4(BRCA1):c.-20+1G>A

Genes: BRCA1 (BRCA1 DNA repair associated; minus strand), LOC111589215 (BRCA1 promoter region; plus strand). Cytogenetic location: 17q21.31.
Variant type: single nucleotide variant.
Coding change: c.-20+1G>A on transcript NM_007294.4 (MANE Select); the canonical splice donor site of the intron after 20 bases upstream of the start codon, G replaced by A.
Molecular consequence: splice donor variant. On other transcripts: 5 prime UTR variant (96), intron variant (141).
Genome position (GRCh38, 1-based): chr17:43,125,270, C>T on the plus strand (G>A on the coding strand, the complement: BRCA1 is on the minus strand). VCF-style: chr17-43125270-C-T. GRCh37 (hg19) VCF-style: chr17-41277287-C-T.
Other names: c.-20+1G>A (NM_001408403.1, NM_001407983.1, NM_001407975.1 and 45 more transcripts); c.-439+1G>A (NM_001407965.1); c.-277+1G>A (NM_001407930.1, NM_001407843.1, NM_001408456.1 and 3 more transcripts); c.-281+1G>A (NM_001408465.1); c.-353+1G>A (NM_001408482.1); c.-306+1G>A (NM_001407920.1); c.-422+1G>A (NM_001407696.1); c.-226+1G>A (NM_001407751.1); and 55 more.
Identifiers: ClinVar variation 4797040 (VCV004797040.1).